The following is an entry in ClinVar:

ClinVar aggregate classification (germline): Conflicting classifications of pathogenicity. Review status: criteria provided, conflicting classifications (1 of 4 stars). 2 submissions from 2 submitters: Likely pathogenic (1); Uncertain significance (1). Last evaluated 2026-02-13.

Conditions:
Hereditary cancer-predisposing syndrome. Also called: Tumor predisposition; Hereditary Cancer Syndrome; Neoplastic Syndromes, Hereditary; Hereditary neoplastic syndrome. Identifiers: Orphanet 140162, MedGen C0027672, MeSH D009386, MONDO:0015356.
Familial cancer of breast. Also called: Hereditary breast cancer; BREAST CANCER, FAMILIAL; hereditary breast carcinoma. Identifiers: Orphanet 227535, MedGen C0346153, MONDO:0016419, OMIM 114480. Disease mechanism: loss of function.

Submissions (2):

Ambry Genetics
Classification: Likely pathogenic for Hereditary cancer-predisposing syndrome. Last evaluated: 2026-02-13. Review status: criteria provided, single submitter. Criteria: Ambry Variant Classification Scheme 2023. Collection method: clinical testing. Allele origin: germline.
Comment: The c.364G>A variant (also known as p.D122N), located in coding exon 3 of the BARD1 gene, results from a G to A substitution at nucleotide position 364. The amino acid change results in aspartic acid to asparagine at codon 122, an amino acid with highly similar properties. However, this change occurs in the last base pair of coding exon 3, which makes it likely to have some effect on normal mRNA splicing. This nucleotide position is highly conserved in available vertebrate species. In silico splice site analysis for this alteration is inconclusive. RNA studies have demonstrated that this variant results in abnormal splicing in the set of samples tested (Ambry internal data). This variant is considered to be rare based on population cohorts in the Genome Aggregation Database (gnomAD). Based on the majority of available evidence to date, this variant is likely to be pathogenic.

Labcorp Genetics (formerly Invitae), Labcorp
Classification: Uncertain significance for Familial cancer of breast. Last evaluated: 2026-01-28. Review status: criteria provided, single submitter. Criteria: Invitae Variant Classification Sherloc (09022015). Collection method: clinical testing. Allele origin: germline.
Comment: This sequence change replaces aspartic acid, which is acidic and polar, with asparagine, which is neutral and polar, at codon 122 of the BARD1 protein (p.Asp122Asn). This variant also falls at the last nucleotide of exon 3, which is part of the consensus splice site for this exon. This variant is not present in population databases (gnomAD no frequency). This variant has not been reported in the literature in individuals affected with BARD1-related conditions. ClinVar contains an entry for this variant (Variation ID: 482816). An algorithm developed to predict the effect of missense changes on protein structure and function (PolyPhen-2) suggests that this variant is likely to be disruptive. Variants that disrupt the consensus splice site are a relatively common cause of aberrant splicing (PMID: 17576681, 9536098). In summary, the available evidence is currently insufficient to determine the role of this variant in disease. Therefore, it has been classified as a Variant of Uncertain Significance.

Literature cited by the submitters: PubMed 17576681 (cited by Labcorp Genetics (formerly Invitae), Labcorp); PubMed 9536098 (cited by Labcorp Genetics (formerly Invitae), Labcorp).

NM_000465.4(BARD1):c.364G>A (p.Asp122Asn)

Gene: BARD1 (BRCA1 associated RING domain 1; minus strand). Cytogenetic location: 2q35.
Variant type: single nucleotide variant.
Coding change: c.364G>A on transcript NM_000465.4 (MANE Select); coding-DNA position 364, G replaced by A.
Protein change: p.Asp122Asn; replaces aspartic acid 122 with asparagine.
Molecular consequence: missense variant. On other transcripts: non-coding transcript variant (1), intron variant (2).
Genome position (GRCh38, 1-based): chr2:214,792,297, C>T on the plus strand (G>A on the coding strand, the complement: BARD1 is on the minus strand). VCF-style: chr2-214792297-C-T. GRCh37 (hg19) VCF-style: chr2-215657021-C-T.
Other names: c.307G>A, p.Asp103Asn (NM_001282543.2); c.364G>A, p.Gly122Arg (NM_001282549.2); c.158+17115G>A (NM_001282548.2); c.215+4764G>A (NM_001282545.2); short protein forms D122N, D103N, G122R.
Identifiers: ClinVar variation 482816 (VCV000482816.14), dbSNP rs1553624702, ClinGen allele CA350460720.
Genomic context (GRCh38, chr2:214,792,297, plus strand): 5'-TATGAATTCATCAGTTTTTAACTGATGAATTTAACTAAGAGAGATAGGGATAGTTCTTAC[C>T]TGACAGCTCATTGTCATGTAGCAAATTTCGAAGCTTACTACAAAGTTGAATCATGCTGTC-3'
Protein context (NP_000456.2, residues 112-132): RNLLHDNELS[Asp122Asn]LKEDKPRKSL